The following is an entry in ClinVar:

ClinVar aggregate classification (germline): Uncertain significance (1 of 4 stars; one submission).

Allele frequency attached by ClinVar (database versions not stated): gnomAD 0.00001.
gnomAD v4.1: 2 of 1,614,032 alleles (0.00012%); highest among the groups gnomAD compares: Non-Finnish European, 0.000085%; no homozygotes.

Submission:

GeneDx
Classification: Uncertain significance. Last evaluated: 2022-01-07. Review status: criteria provided, single submitter. Criteria: GeneDx Variant Classification Process June 2021. Collection method: clinical testing. Allele origin: germline. Affected: yes.
Comment: Not observed at significant frequency in large population cohorts (gnomAD); In silico analysis supports that this missense variant does not alter protein structure/function; Has not been previously published as pathogenic or benign to our knowledge

NM_004239.4(TRIP11):c.5818C>A (p.Pro1940Thr)

Gene: TRIP11 (thyroid hormone receptor interactor 11; minus strand). Cytogenetic location: 14q32.12.
Variant type: single nucleotide variant.
Coding change: c.5818C>A on transcript NM_004239.4 (MANE Select); coding-DNA position 5818, C replaced by A.
Protein change: p.Pro1940Thr; replaces proline 1940 with threonine.
Molecular consequence: missense variant.
Genome position (GRCh38, 1-based): chr14:91,969,795, G>T on the plus strand (C>A on the coding strand, the complement: TRIP11 is on the minus strand). VCF-style: chr14-91969795-G-T. GRCh37 (hg19) VCF-style: chr14-92436139-G-T.
Other names: c.5815C>A, p.Pro1939Thr (NM_001321851.1); short protein forms P1939T, P1940T.
Identifiers: ClinVar variation 1695689 (VCV001695689.2), dbSNP rs1458755578, ClinGen allele CA390643621.
Genomic context (GRCh38, chr14:91,969,795, plus strand): 5'-GTGTAAATGTGGGCAAAACATCTGAGATGGGTTTCAGAAGAAGATGCCCGGGCCCACCAG[G>T]TCCAAGTCCAGCTGGGTTAATAAGAGGTACAGCTGCCGAGCGAGGAGCCAAAAACGGATT-3'
Protein context (NP_004230.2, residues 1930-1950): VPLINPAGLG[Pro1940Thr]GGPGHLLLKP